The following is an entry in ClinVar:

ClinVar aggregate classification (germline): Likely benign. Review status: criteria provided, multiple submitters, no conflicts (2 of 4 stars). 2 submissions from 2 submitters: Likely benign (2). Last evaluated 2026-08-01.

Conditions:
Inborn genetic diseases. Identifiers: MedGen C0950123, MeSH D030342.

gnomAD v4.1: 69 of 1,516,532 alleles (0.0045%); highest among the groups gnomAD compares: Admixed American, 0.0074%; no homozygotes.

Submissions (2):

CeGaT Center for Human Genetics Tuebingen
Classification: Likely benign. Last evaluated: 2026-08-01. Review status: criteria provided, single submitter. Criteria: CeGaT Center For Human Genetics Tuebingen Variant Classification Criteria Version 2. Collection method: clinical testing. Allele origin: germline. Affected: yes. Observed: 1 variant allele.
Comment: AP1G1: PP2, BS2

Ambry Genetics
Classification: Likely benign for Inborn genetic diseases. Last evaluated: 2024-12-23. Review status: criteria provided, single submitter. Criteria: Ambry Variant Classification Scheme 2023. Collection method: clinical testing. Allele origin: germline.

NM_001128.6(AP1G1):c.331C>G (p.Leu111Val)

Gene: AP1G1 (adaptor related protein complex 1 subunit gamma 1; minus strand). Cytogenetic location: 16q22.2.
Variant type: single nucleotide variant.
Coding change: c.331C>G on transcript NM_001128.6 (MANE Select); coding-DNA position 331, C replaced by G.
Protein change: p.Leu111Val; replaces leucine 111 with valine.
Molecular consequence: missense variant.
Genome position (GRCh38, 1-based): chr16:71,773,358, G>C on the plus strand (C>G on the coding strand, the complement: AP1G1 is on the minus strand). VCF-style: chr16-71773358-G-C. GRCh37 (hg19) VCF-style: chr16-71807261-G-C.
Other names: c.331C>G, p.Leu111Val (NM_001030007.2); short protein forms L111V.
Identifiers: ClinVar variation 3876491 (VCV003876491.2).